The following is an entry in ClinVar:

ClinVar aggregate classification (germline): Uncertain significance. Review status: criteria provided, multiple submitters, no conflicts (2 of 4 stars). 2 submissions from 2 submitters: Uncertain significance (2). Last evaluated 2026-05-18.

Conditions:
Polycystic kidney disease, adult type (PKD1). Also called: Polycystic Kidney Disease 1, Autosomal Dominant; Polycystic kidney disease 1; Polycystic kidney disease 1, severe; Polycystic Kidney, Autosomal Dominant; POLYCYSTIC KIDNEY DISEASE 1 WITH OR WITHOUT POLYCYSTIC LIVER DISEASE; POLYCYSTIC KIDNEY DISEASE, ADULT, TYPE I. Identifiers: MedGen C3149841, MONDO:0008263, OMIM 173900.

Submissions (2):

Victorian Clinical Genetics Services, Murdoch Childrens Research Institute
Classification: Uncertain significance for Polycystic kidney disease, adult type. Last evaluated: 2026-05-18. Review status: criteria provided, single submitter. Criteria: ACMG Guidelines, 2015. Collection method: clinical testing. Allele origin: germline. Affected: yes.
Comment: This variant is classified as VUS-3A. Evidence in support of pathogenic classification: Variant is absent from gnomAD (v2, v3 and v4); This variant has limited previous evidence of pathogenicity in an unrelated individual(s). This variant has been reported in the literature as heterozygous in an individual with ADPKD (PMIDs: 29801666, 33532864). Additional information: Variant is predicted to result in a missense amino acid change from Asp to Glu; This variant is heterozygous; This gene is associated with autosomal dominant disease. Polycystic kidney disease 1 (MIM#173900) is predominantly caused by monoallelic variants, with rare reports of biallelic variants causing disease (OMIM); No published evidence of segregation with disease has been identified for this variant; No published functional evidence has been identified for this variant; No comparable missense variants have previous evidence for pathogenicity; Variant is not located in an established domain, motif, hotspot or informative constraint region; Missense variant with inconclusive in silico prediction and/or uninformative conservation; Loss of function is a known mechanism of disease in this gene and is associated with polycystic kidney disease 1 (MIM#173900); Inheritance information for this variant is not currently available in this individual.

Juno Genomics, Hangzhou Juno Genomics, Inc
Classification: Uncertain significance for Polycystic kidney disease, adult type. Review status: criteria provided, single submitter. Criteria: ACMG Guidelines, 2015. Collection method: clinical testing. Allele origin: germline.
Comment: Absent from controls (or at extremely low frequency if recessive) in Genome Aggregation Database.;Patient's phenotype or family history is highly specific for a disease with a single genetic etiology.

Literature cited by the submitters: PubMed 33532864 (cited by Victorian Clinical Genetics Services, Murdoch Childrens Research Institute); PubMed 29801666 (cited by Victorian Clinical Genetics Services, Murdoch Childrens Research Institute).

NM_001009944.3(PKD1):c.2139C>A (p.Asp713Glu)

Gene: PKD1 (polycystin 1, transient receptor potential channel interacting; minus strand). Cytogenetic location: 16p13.3.
Variant type: single nucleotide variant.
Coding change: c.2139C>A on transcript NM_001009944.3 (MANE Select); coding-DNA position 2139, C replaced by A.
Protein change: p.Asp713Glu; replaces aspartic acid 713 with glutamic acid.
Molecular consequence: missense variant.
Genome position (GRCh38, 1-based): chr16:2,114,884, G>T on the plus strand (C>A on the coding strand, the complement: PKD1 is on the minus strand). VCF-style: chr16-2114884-G-T. GRCh37 (hg19) VCF-style: chr16-2164885-G-T.
Other names: c.2139C>A, p.Asp713Glu (NM_000296.4); short protein forms D713E.
Identifiers: ClinVar variation 1805105 (VCV001805105.4), dbSNP rs1487434772, ClinGen allele CA394389298.